The following is an entry in ClinVar:

ClinVar aggregate classification (germline): Likely benign. Review status: criteria provided, multiple submitters, no conflicts (2 of 4 stars). 4 submissions from 4 submitters: Likely benign (4). Last evaluated 2026-04-01.

Conditions:
Cardiovascular phenotype. Identifiers: MedGen CN230736.
Walker-Warburg congenital muscular dystrophy. Also called: Muscular dystrophy-dystroglycanopathy, type A; Walker-Warburg syndrome. Identifiers: Orphanet 899, MedGen C0265221, MONDO:0000171.

Allele frequency attached by ClinVar (database versions not stated): gnomAD exomes 0.00001 and 0.00002; ExAC 0.00006.
gnomAD v4.1: 14 of 1,576,328 alleles (0.00089%); highest among the groups gnomAD compares: Middle Eastern, 0.13%; no homozygotes.

Submissions (4):

CeGaT Center for Human Genetics Tuebingen
Classification: Likely benign. Last evaluated: 2026-04-01. Review status: criteria provided, single submitter. Criteria: CeGaT Center For Human Genetics Tuebingen Variant Classification Criteria Version 2. Collection method: clinical testing. Allele origin: germline. Affected: yes. Observed: 1 variant allele.
Comment: FKRP: BP4, BP7

Labcorp Genetics (formerly Invitae), Labcorp
Classification: Likely benign for Walker-Warburg congenital muscular dystrophy. Last evaluated: 2026-01-13. Review status: criteria provided, single submitter. Criteria: Invitae Variant Classification Sherloc (09022015). Collection method: clinical testing. Allele origin: germline.

Ambry Genetics
Classification: Likely benign for Cardiovascular phenotype. Last evaluated: 2020-08-27. Review status: criteria provided, single submitter. Criteria: Ambry Variant Classification Scheme 2023. Collection method: clinical testing. Allele origin: germline.

GeneDx
Classification: Likely benign. Last evaluated: 2016-08-01. Review status: criteria provided, single submitter. Criteria: GeneDx Variant Classification (06012015). Collection method: clinical testing. Allele origin: germline. Affected: yes.
Comment: This variant is considered likely benign or benign based on one or more of the following criteria: it is a conservative change, it occurs at a poorly conserved position in the protein, it is predicted to be benign by multiple in silico algorithms, and/or has population frequency not consistent with disease.

NM_024301.5(FKRP):c.573C>T (p.Cys191=)

Gene: FKRP (fukutin related protein; plus strand). Cytogenetic location: 19q13.32.
Variant type: single nucleotide variant.
Coding change: c.573C>T on transcript NM_024301.5 (MANE Select); coding-DNA position 573, C replaced by T.
Protein change: p.Cys191=; no amino-acid change (cysteine 191 retained).
Molecular consequence: synonymous variant.
Genome position (GRCh38, 1-based): chr19:46,756,023, C>T. VCF-style: chr19-46756023-C-T. GRCh37 (hg19) VCF-style: chr19-47259280-C-T.
Other names: c.573C>T, p.Cys191= (NM_001039885.3).
Identifiers: ClinVar variation 388013 (VCV000388013.13), dbSNP rs763156437, ClinGen allele CA9532172.
Genomic context (GRCh38, chr19:46,756,023, plus strand): 5'-GAACGTCAGCCTGCGAGAGTGGACCGCCCGCTATGGCGCAGCCCCCGCCGCGCCCCGCTG[C>T]GACGCCCTGGACGGAGATGCTGTGGTGCTCCTGCGCGCCCGCGACCTCTTCAACCTCTCG-3'
Protein context (NP_077277.1, residues 181-201): RYGAAPAAPR[Cys191=]DALDGDAVVL